The following is an entry in ClinVar:

ClinVar aggregate classification (germline): Conflicting classifications of pathogenicity. Review status: criteria provided, conflicting classifications (1 of 4 stars). 2 submissions from 2 submitters: Uncertain significance (1); Likely benign (1). Last evaluated 2024-11-25.

Allele frequency attached by ClinVar (database versions not stated): ExAC 0.00007; gnomAD exomes 0.00007; 1000 Genomes Project 30x 0.00016; 1000 Genomes Project 0.00020.
gnomAD v4.1: 118 of 1,612,332 alleles (0.0073%); highest among the groups gnomAD compares: Non-Finnish European, 0.0088%; no homozygotes.

Submissions (2):

Blueprint Genetics
Classification: Likely benign. Last evaluated: 2024-11-25. Review status: criteria provided, single submitter. Criteria: ACMG Guidelines, 2015. Collection method: clinical testing. Allele origin: germline.

Labcorp Genetics (formerly Invitae), Labcorp
Classification: Uncertain significance. Last evaluated: 2024-02-17. Review status: criteria provided, single submitter. Criteria: Invitae Variant Classification Sherloc (09022015). Collection method: clinical testing. Allele origin: germline.
Comment: This sequence change replaces arginine, which is basic and polar, with tryptophan, which is neutral and slightly polar, at codon 1323 of the ARHGEF10 protein (p.Arg1323Trp). This variant is present in population databases (rs201516531, gnomAD 0.01%). This variant has not been reported in the literature in individuals affected with ARHGEF10-related conditions. ClinVar contains an entry for this variant (Variation ID: 1365574). Advanced modeling of protein sequence and biophysical properties (such as structural, functional, and spatial information, amino acid conservation, physicochemical variation, residue mobility, and thermodynamic stability) performed at Invitae indicates that this missense variant is not expected to disrupt ARHGEF10 protein function with a negative predictive value of 80%. In summary, the available evidence is currently insufficient to determine the role of this variant in disease. Therefore, it has been classified as a Variant of Uncertain Significance.

NM_014629.4(ARHGEF10):c.3967C>T (p.Arg1323Trp)

Gene: ARHGEF10 (Rho guanine nucleotide exchange factor 10; plus strand). Cytogenetic location: 8p23.3.
Variant type: single nucleotide variant.
Coding change: c.3967C>T on transcript NM_014629.4 (MANE Select); coding-DNA position 3967, C replaced by T.
Protein change: p.Arg1323Trp; replaces arginine 1323 with tryptophan.
Molecular consequence: missense variant.
Genome position (GRCh38, 1-based): chr8:1,957,195, C>T. VCF-style: chr8-1957195-C-T. GRCh37 (hg19) VCF-style: chr8-1905361-C-T.
Other names: c.3853C>T, p.Arg1285Trp (NM_001308152.2); c.3967C>T, p.Arg1323Trp (NM_001308153.3); short protein forms R1285W, R1323W, R1347W.
Identifiers: ClinVar variation 1365574 (VCV001365574.7), dbSNP rs201516531, ClinGen allele CA4601545.